The following is an entry in ClinVar:

ClinVar aggregate classification (germline): Uncertain significance (1 of 4 stars; one submission).

Submission:

Labcorp Genetics (formerly Invitae), Labcorp
Classification: Uncertain significance. Last evaluated: 2023-12-04. Review status: criteria provided, single submitter. Criteria: Invitae Variant Classification Sherloc (09022015). Collection method: clinical testing. Allele origin: germline.
Comment: This sequence change replaces valine, which is neutral and non-polar, with leucine, which is neutral and non-polar, at codon 202 of the TERF2IP protein (p.Val202Leu). This variant is not present in population databases (gnomAD no frequency). This variant has not been reported in the literature in individuals affected with TERF2IP-related conditions. An algorithm developed to predict the effect of missense changes on protein structure and function (PolyPhen-2) suggests that this variant is likely to be tolerated. In summary, the available evidence is currently insufficient to determine the role of this variant in disease. Therefore, it has been classified as a Variant of Uncertain Significance.

NM_018975.4(TERF2IP):c.604G>T (p.Val202Leu)

Gene: TERF2IP (TERF2 interacting protein; plus strand). Cytogenetic location: 16q23.1.
Variant type: single nucleotide variant.
Coding change: c.604G>T on transcript NM_018975.4 (MANE Select); coding-DNA position 604, G replaced by T.
Protein change: p.Val202Leu; replaces valine 202 with leucine.
Molecular consequence: missense variant. On other transcripts: non-coding transcript variant (1).
Genome position (GRCh38, 1-based): chr16:75,648,486, G>T. VCF-style: chr16-75648486-G-T. GRCh37 (hg19) VCF-style: chr16-75682384-G-T.
Other names: short protein forms V202L.
Identifiers: ClinVar variation 2695958 (VCV002695958.3), dbSNP rs2507075150, ClinGen allele CA396818265.